The following is an entry in ClinVar:

ClinVar aggregate classification (germline): Conflicting classifications of pathogenicity. Review status: criteria provided, conflicting classifications (1 of 4 stars). 2 submissions from 2 submitters: Uncertain significance (1); Likely benign (1). Last evaluated 2024-08-19.

Conditions:
Tuberous sclerosis 1 (TSC1). Identifiers: Orphanet 805, MedGen C1854465, MONDO:0008612, OMIM 191100.

Submissions (2):

Labcorp Genetics (formerly Invitae), Labcorp
Classification: Likely benign for Tuberous sclerosis 1. Last evaluated: 2024-08-19. Review status: criteria provided, single submitter. Criteria: Invitae Variant Classification Sherloc (09022015). Collection method: clinical testing. Allele origin: germline.

GeneDx
Classification: Uncertain significance. Last evaluated: 2024-07-05. Review status: criteria provided, single submitter. Criteria: GeneDx Variant Classification Process June 2021. Collection method: clinical testing. Allele origin: germline. Affected: yes.
Comment: Not observed at significant frequency in large population cohorts (gnomAD); In silico analysis is inconclusive as to whether the variant alters gene splicing. In the absence of RNA/functional studies, the actual effect of this sequence change is unknown.; Has not been previously published as pathogenic or benign to our knowledge

NM_000368.5(TSC1):c.1264-10_1264-6del

Gene: TSC1 (TSC complex subunit 1; minus strand). Cytogenetic location: 9q34.13.
Variant type: Deletion.
Coding change: c.1264-10_1264-6del on transcript NM_000368.5 (MANE Select); 10 bases into the intron before coding-DNA position 1264 through 6 bases into the intron before coding-DNA position 1264, 5 bases deleted (ATCTT; older notation c.1264-10_1264-6delATCTT).
Molecular consequence: intron variant.
Genome position (GRCh38, 1-based): chr9:132,907,376-132,907,380, AAGAT deleted on the plus strand (ATCTT on the coding strand, the reverse complement: TSC1 is on the minus strand); deleting any 5 consecutive bases within chr9:132,907,376-132,907,383 gives the same sequence; the c. name uses the placement nearest the transcript's 3' end. VCF-style (leftmost placement, unchanged base first): chr9-132907375-AAAGAT-A. GRCh37 (hg19) VCF-style: chr9-135782762-AAAGAT-A.
Other names: c.1261-10_1261-6del (NM_001406599.1, NM_001406603.1, NM_001406609.1 and 6 more transcripts); c.1264-10_1264-6del (NM_001406594.1, NM_001406602.1, NM_001406606.1 and 7 more transcripts); c.898-10_898-6del (NM_001406620.1, NM_001406625.1, NM_001406621.1 and 2 more transcripts); c.901-10_901-6del (NM_001406618.1, NM_001406617.1, NM_001406619.1 and 5 more transcripts); c.1108-10_1108-6del (NM_001406613.1, NM_001406612.1, NM_001406611.1); c.1111-10_1111-6del (NM_001406610.1, NM_001162427.2); c.310-10_310-6del (NM_001406627.1, NM_001406628.1); c.211-10_211-6del (NM_001406629.1, NM_001406630.1); and 1 more.
Identifiers: ClinVar variation 3393884 (VCV003393884.3).